The following is an entry in ClinVar:

ClinVar aggregate classification (germline): Benign/Likely benign. Review status: criteria provided, multiple submitters, no conflicts (2 of 4 stars). 9 submissions from 9 submitters: Benign (1); Likely benign (8). Last evaluated 2026-03-01.

Conditions:
Juvenile polyposis syndrome (JPS). Identifiers: Orphanet 2929, MedGen C0345893, MONDO:0017380, OMIM 174900.
Familial thoracic aortic aneurysm and aortic dissection (TAAD). Also called: Thoracic aortic aneurysms and dissections. Identifiers: Orphanet 91387, MedGen C4707243, MONDO:0019625.
Hereditary cancer-predisposing syndrome. Also called: Tumor predisposition; Neoplastic Syndromes, Hereditary; Hereditary Cancer Syndrome; Hereditary neoplastic syndrome. Identifiers: Orphanet 140162, MedGen C0027672, MeSH D009386, MONDO:0015356.
Juvenile polyposis/hereditary hemorrhagic telangiectasia syndrome (JPHT). Also called: JP/HHT SYNDROME; JUVENILE POLYPOSIS WITH HEREDITARY HEMORRHAGIC TELANGIECTASIA; Juvenile Polyposis Syndrome / Hereditary Hemorrhagic Telangiectasia (JPS/HHT); POLYPOSIS, GENERALIZED JUVENILE, WITH PULMONARY ARTERIOVENOUS MALFORMATION; TELANGIECTASIA, HEREDITARY HEMORRHAGIC, WITH JUVENILE POLYPOSIS COLI. Identifiers: Orphanet 2929, MedGen C1832942, MONDO:0008278, OMIM 175050.

Allele frequency attached by ClinVar (database versions not stated): gnomAD 0.00001; gnomAD exomes 0.00001; TOPMed 0.00001.
gnomAD v4.1: 6 of 1,613,992 alleles (0.00037%); highest among the groups gnomAD compares: Admixed American, 0.0033%; no homozygotes.

Submissions (9):

CeGaT Center for Human Genetics Tuebingen
Classification: Likely benign. Last evaluated: 2026-03-01. Review status: criteria provided, single submitter. Criteria: CeGaT Center For Human Genetics Tuebingen Variant Classification Criteria Version 2. Collection method: clinical testing. Allele origin: germline. Affected: yes. Observed: 1 variant allele.
Comment: SMAD4: BP4, BP7

Labcorp Genetics (formerly Invitae), Labcorp
Classification: Likely benign for Juvenile polyposis syndrome. Last evaluated: 2026-01-31. Review status: criteria provided, single submitter. Criteria: Invitae Variant Classification Sherloc (09022015). Collection method: clinical testing. Allele origin: germline.

Quest Diagnostics Nichols Institute San Juan Capistrano
Classification: Likely benign. Last evaluated: 2025-09-08. Review status: criteria provided, single submitter. Criteria: Quest Diagnostics criteria. Collection method: clinical testing. Allele origin: unknown.

Myriad Genetics, Inc.
Classification: Benign for Juvenile polyposis/hereditary hemorrhagic telangiectasia syndrome. Last evaluated: 2025-03-21. Review status: criteria provided, single submitter. Criteria: Myriad Autosomal Dominant, Autosomal Recessive and X-Linked Classification Criteria (2023). Collection method: clinical testing. Allele origin: unknown.
Comment: This variant is considered benign. This variant is a silent/synonymous amino acid change and it is not expected to impact splicing.

All of Us Research Program, National Institutes of Health
Classification: Likely benign for Juvenile polyposis/hereditary hemorrhagic telangiectasia syndrome. Last evaluated: 2024-04-16. Review status: criteria provided, single submitter. Criteria: ACMG Guidelines, 2015. Collection method: clinical testing. Allele origin: germline. Inheritance: Autosomal dominant inheritance. Observed: 2 variant alleles, 2 heterozygotes.
Comment: This study involves interpretation of variants in research participants for the purpose of population health screening. Participant phenotype was not available at the time of variant classification. Additional details can be found in publication PMID: 35346344, PMCID: PMC8962531

Color Diagnostics, LLC DBA Color Health
Classification: Likely benign for Hereditary cancer-predisposing syndrome. Last evaluated: 2018-02-21. Review status: criteria provided, single submitter. Criteria: ACMG Guidelines, 2015. Collection method: clinical testing. Allele origin: germline.

Eurofins Ntd Llc (ga)
Classification: Likely benign. Last evaluated: 2017-03-16. Review status: criteria provided, single submitter. Criteria: EGL Classification Definitions 2015. Collection method: clinical testing. Allele origin: germline. Observed: 1 variant allele, 1 heterozygote.

GeneDx
Classification: Likely benign. Last evaluated: 2017-02-01. Review status: criteria provided, single submitter. Criteria: GeneDx Variant Classification (06012015). Collection method: clinical testing. Allele origin: germline. Affected: yes.
Comment: This variant is considered likely benign or benign based on one or more of the following criteria: it is a conservative change, it occurs at a poorly conserved position in the protein, it is predicted to be benign by multiple in silico algorithms, and/or has population frequency not consistent with disease.

Ambry Genetics
Classification: Likely benign for Hereditary cancer-predisposing syndrome; Familial thoracic aortic aneurysm and aortic dissection. Last evaluated: 2015-10-03. Review status: criteria provided, single submitter. Criteria: Ambry Variant Classification Scheme 2023. Collection method: clinical testing. Allele origin: germline.

Literature cited by the submitters: PubMed 39113632 (cited by Quest Diagnostics Nichols Institute San Juan Capistrano); PubMed 26010451 (cited by Quest Diagnostics Nichols Institute San Juan Capistrano).

NM_005359.6(SMAD4):c.1059C>T (p.Tyr353=)

Gene: SMAD4 (SMAD family member 4; plus strand). Cytogenetic location: 18q21.2.
Variant type: single nucleotide variant.
Coding change: c.1059C>T on transcript NM_005359.6 (MANE Select); coding-DNA position 1059, C replaced by T.
Protein change: p.Tyr353=; no amino-acid change (tyrosine 353 retained).
Molecular consequence: synonymous variant.
Genome position (GRCh38, 1-based): chr18:51,065,526, C>T. VCF-style: chr18-51065526-C-T. GRCh37 (hg19) VCF-style: chr18-48591896-C-T.
Identifiers: ClinVar variation 215842 (VCV000215842.29), dbSNP rs863224400, ClinGen allele CA336888.